The following is an entry in ClinVar:

ClinVar aggregate classification (germline): Uncertain significance (1 of 4 stars; one submission).

Allele frequency attached by ClinVar (database versions not stated): gnomAD exomes 0.00001; ExAC 0.00002; gnomAD 0.00003; ESP Exome Variant Server 0.00008.
gnomAD v4.1: 28 of 1,613,790 alleles (0.0017%); highest among the groups gnomAD compares: South Asian, 0.0033%; 1 homozygote.

Submission:

Labcorp Genetics (formerly Invitae), Labcorp
Classification: Uncertain significance. Last evaluated: 2022-09-13. Review status: criteria provided, single submitter. Criteria: Invitae Variant Classification Sherloc (09022015). Collection method: clinical testing. Allele origin: germline.
Comment: In summary, the available evidence is currently insufficient to determine the role of this variant in disease. Therefore, it has been classified as a Variant of Uncertain Significance. This sequence change replaces alanine, which is neutral and non-polar, with threonine, which is neutral and polar, at codon 131 of the LMNB1 protein (p.Ala131Thr). This variant is present in population databases (rs373303194, gnomAD 0.004%). This variant has not been reported in the literature in individuals affected with LMNB1-related conditions. ClinVar contains an entry for this variant (Variation ID: 1523209). Advanced modeling of protein sequence and biophysical properties (such as structural, functional, and spatial information, amino acid conservation, physicochemical variation, residue mobility, and thermodynamic stability) performed at Invitae indicates that this missense variant is not expected to disrupt LMNB1 protein function.

NM_005573.4(LMNB1):c.391G>A (p.Ala131Thr)

Gene: LMNB1 (lamin B1; plus strand). Cytogenetic location: 5q23.2.
Variant type: single nucleotide variant.
Coding change: c.391G>A on transcript NM_005573.4 (MANE Select); coding-DNA position 391, G replaced by A.
Protein change: p.Ala131Thr; replaces alanine 131 with threonine.
Molecular consequence: missense variant. On other transcripts: 5 prime UTR variant (1), non-coding transcript variant (1).
Genome position (GRCh38, 1-based): chr5:126,804,807, G>A. VCF-style: chr5-126804807-G-A. GRCh37 (hg19) VCF-style: chr5-126140499-G-A.
Other names: c.-240G>A (NM_001198557.2); short protein forms A131T.
Identifiers: ClinVar variation 1523209 (VCV001523209.6), dbSNP rs373303194, ClinGen allele CA3390452.